The following is an entry in ClinVar:

ClinVar aggregate classification (germline): Uncertain significance. Review status: criteria provided, multiple submitters, no conflicts (2 of 4 stars). 4 submissions from 4 submitters: Uncertain significance (4). Last evaluated 2025-12-16.

Conditions:
Hereditary nonpolyposis colorectal neoplasms. Identifiers: MedGen C0009405, MeSH D003123.
Hereditary cancer-predisposing syndrome. Also called: Tumor predisposition; Hereditary neoplastic syndrome; Hereditary Cancer Syndrome; Neoplastic Syndromes, Hereditary. Identifiers: Orphanet 140162, MedGen C0027672, MeSH D009386, MONDO:0015356.

Allele frequency attached by ClinVar (database versions not stated): gnomAD exomes below 0.00001.
gnomAD v4.1: 3 of 1,613,896 alleles (0.00019%); highest among the groups gnomAD compares: Non-Finnish European, 0.00025%; no homozygotes.

Submissions (4):

Ambry Genetics
Classification: Uncertain significance for Hereditary cancer-predisposing syndrome. Last evaluated: 2025-12-16. Review status: criteria provided, single submitter. Criteria: Ambry Variant Classification Scheme 2023. Collection method: clinical testing. Allele origin: germline.
Comment: The p.R1176K variant (also known as c.3527G>A), located in coding exon 6 of the MSH6 gene, results from a G to A substitution at nucleotide position 3527. The arginine at codon 1176 is replaced by lysine, an amino acid with highly similar properties. This amino acid position is highly conserved in available vertebrate species. In addition, this alteration is predicted to be deleterious by in silico analysis. Based on the available evidence, the clinical significance of this variant remains unclear.

Labcorp Genetics (formerly Invitae), Labcorp
Classification: Uncertain significance for Hereditary nonpolyposis colorectal neoplasms. Last evaluated: 2024-12-04. Review status: criteria provided, single submitter. Criteria: Invitae Variant Classification Sherloc (09022015). Collection method: clinical testing. Allele origin: germline.
Comment: This sequence change replaces arginine, which is basic and polar, with lysine, which is basic and polar, at codon 1176 of the MSH6 protein (p.Arg1176Lys). This variant is not present in population databases (gnomAD no frequency). This variant has not been reported in the literature in individuals affected with MSH6-related conditions. ClinVar contains an entry for this variant (Variation ID: 234665). Invitae Evidence Modeling of protein sequence and biophysical properties (such as structural, functional, and spatial information, amino acid conservation, physicochemical variation, residue mobility, and thermodynamic stability) indicates that this missense variant is expected to disrupt MSH6 protein function with a positive predictive value of 80%. In summary, the available evidence is currently insufficient to determine the role of this variant in disease. Therefore, it has been classified as a Variant of Uncertain Significance.

Women's Health and Genetics/Laboratory Corporation of America, LabCorp
Classification: Uncertain significance. Last evaluated: 2018-07-19. Review status: criteria provided, single submitter. Criteria: LabCorp Variant Classification Summary - May 2015. Collection method: clinical testing. Allele origin: germline.
Comment: Variant summary: MSH6 c.3527G>A (p.Arg1176Lys) results in a conservative amino acid change located in the MutS, C-terminal domain (IPR000432) of the encoded protein sequence, which is comprised of the ATPase domain and the HTH (helix-turn-helix) domain, the latter being involved in dimer contacts. Four of five in-silico tools predict a damaging effect of the variant on protein function. The variant was absent in 246024 control chromosomes (gnomAD). The available data on variant occurrences in the general population are insufficient to allow any conclusion about variant significance. To our knowledge, no occurrence of c.3527G>A in individuals affected with Lynch Syndrome and no experimental evidence demonstrating its impact on protein function have been reported. One clinical diagnostic laboratory has submitted clinical-significance assessments for this variant to ClinVar after 2014 without evidence for independent evaluation, and classified the variant as uncertain significance. Based on the evidence outlined above, the variant was classified as uncertain significance.

GeneDx
Classification: Uncertain significance. Last evaluated: 2015-11-30. Review status: criteria provided, single submitter. Criteria: GeneDx Variant Classification (06012015). Collection method: clinical testing. Allele origin: germline. Affected: yes.
Comment: This variant is denoted MSH6 c.3527G>A at the cDNA level, p.Arg1176Lys (R1176K) at the protein level, and results in the change of an Arginine to a Lysine (AGA>AAA). This variant has not, to our knowledge, been published in the literature as pathogenic or benign. MSH6 Arg1176Lys was not observed in approximately 6,500 individuals of European and African American ancestry in the NHLBI Exome Sequencing Project, suggesting it is not a common benign variant in these populations. Since Arginine and Lysine share similar properties, this is considered a conservative amino acid substitution. MSH6 Arg1176Lys occurs at a position that is conserved across species and is located within the MutS domain V (Terui 2013). In silico analyses predict that this variant is probably damaging to protein structure and function. Based on currently available evidence, it is unclear whether MSH6 Arg1176Lys is a pathogenic or benign variant. We consider it to be a variant of uncertain significance.

NM_000179.3(MSH6):c.3527G>A (p.Arg1176Lys)

Gene: MSH6 (mutS homolog 6; plus strand). Cytogenetic location: 2p16.3.
Variant type: single nucleotide variant.
Coding change: c.3527G>A on transcript NM_000179.3 (MANE Select); coding-DNA position 3527, G replaced by A.
Protein change: p.Arg1176Lys; replaces arginine 1176 with lysine.
Molecular consequence: missense variant.
Genome position (GRCh38, 1-based): chr2:47,804,998, G>A. VCF-style: chr2-47804998-G-A. GRCh37 (hg19) VCF-style: chr2-48032137-G-A.
Other names: c.3137G>A, p.Arg1046Lys (NM_001281492.2); c.2621G>A, p.Arg874Lys (NM_001281493.2, NM_001281494.2); short protein forms R1176K, R1046K, R874K.
Identifiers: ClinVar variation 234665 (VCV000234665.11), dbSNP rs876661148, ClinGen allele CA10577291.